The following is an entry in ClinVar:

NM_018847.4(KLHL9):c.404T>C (p.Leu135Ser)

Gene: KLHL9 (kelch like family member 9; minus strand). Cytogenetic location: 9p21.3.
Variant type: single nucleotide variant.
Coding change: c.404T>C on transcript NM_018847.4 (MANE Select); coding-DNA position 404, T replaced by C.
Protein change: p.Leu135Ser; replaces leucine 135 with serine.
Molecular consequence: missense variant.
Genome position (GRCh38, 1-based): chr9:21,334,456, A>G on the plus strand (T>C on the coding strand, the complement: KLHL9 is on the minus strand). VCF-style: chr9-21334456-A-G. GRCh37 (hg19) VCF-style: chr9-21334455-A-G.
Other names: short protein forms L135S.
Identifiers: ClinVar variation 2306335 (VCV002306335.5), dbSNP rs2537382178, ClinGen allele CA373073273.

ClinVar aggregate classification (germline): Uncertain significance. Review status: criteria provided, multiple submitters, no conflicts (2 of 4 stars). 2 submissions from 2 submitters: Uncertain significance (2). Last evaluated 2025-01-21.

Allele frequency attached by ClinVar (database versions not stated): gnomAD exomes 0.00001.

Submissions (2):

Labcorp Genetics (formerly Invitae), Labcorp
Classification: Uncertain significance. Last evaluated: 2025-01-21. Review status: criteria provided, single submitter. Criteria: Invitae Variant Classification Sherloc (09022015). Collection method: clinical testing. Allele origin: germline.
Comment: This sequence change replaces leucine, which is neutral and non-polar, with serine, which is neutral and polar, at codon 135 of the KLHL9 protein (p.Leu135Ser). This variant is not present in population databases (gnomAD no frequency). This variant has not been reported in the literature in individuals affected with KLHL9-related conditions. ClinVar contains an entry for this variant (Variation ID: 2306335). Invitae Evidence Modeling of protein sequence and biophysical properties (such as structural, functional, and spatial information, amino acid conservation, physicochemical variation, residue mobility, and thermodynamic stability) indicates that this missense variant is not expected to disrupt KLHL9 protein function with a negative predictive value of 80%. In summary, the available evidence is currently insufficient to determine the role of this variant in disease. Therefore, it has been classified as a Variant of Uncertain Significance.

Ambry Genetics
Classification: Uncertain significance. Last evaluated: 2025-01-17. Review status: criteria provided, single submitter. Criteria: Ambry Variant Classification Scheme 2023. Collection method: clinical testing. Allele origin: germline.